The following is an entry in ClinVar:

ClinVar aggregate classification (germline): Pathogenic (1 of 4 stars; one submission).

Conditions:
Hypertrophic cardiomyopathy. Also called: HYPERTROPHIC MYOCARDIOPATHY. Identifiers: Orphanet 217569, MedGen C0007194, MeSH D002312, MONDO:0005045, HP:0001639.

Submission:

Labcorp Genetics (formerly Invitae), Labcorp
Classification: Pathogenic for Hypertrophic cardiomyopathy. Last evaluated: 2022-03-02. Review status: criteria provided, single submitter. Criteria: Invitae Variant Classification Sherloc (09022015). Collection method: clinical testing. Allele origin: germline.
Comment: For these reasons, this variant has been classified as Pathogenic. ClinVar contains an entry for this variant (Variation ID: 1076196). This variant has not been reported in the literature in individuals affected with MYBPC3-related conditions. This variant is not present in population databases (gnomAD no frequency). This sequence change creates a premature translational stop signal (p.Ser137Glnfs*22) in the MYBPC3 gene. It is expected to result in an absent or disrupted protein product. Loss-of-function variants in MYBPC3 are known to be pathogenic (PMID: 19574547).

Literature cited by the submitters: PubMed 19574547.

NM_000256.3(MYBPC3):c.405del (p.Ser137fs)

Gene: MYBPC3 (myosin binding protein C3; minus strand). Cytogenetic location: 11p11.2.
Variant type: Deletion.
Coding change: c.405del on transcript NM_000256.3 (MANE Select); coding-DNA position 405, one base deleted (A; older notation c.405delA).
Protein change: p.Ser137fs; shifts the reading frame from serine 137.
Molecular consequence: frameshift variant.
Genome position (GRCh38, 1-based): chr11:47,350,503, T deleted on the plus strand (A on the coding strand, the reverse complement: MYBPC3 is on the minus strand); the first of 3 consecutive T bases (chr11:47,350,503-47,350,505); deleting any one gives the same sequence. VCF-style (leftmost placement, unchanged base first): chr11-47350502-CT-C. GRCh37 (hg19) VCF-style: chr11-47372053-CT-C.
Other names: short protein forms S137fs.
Identifiers: ClinVar variation 1076196 (VCV001076196.7), dbSNP rs1555123597, ClinGen allele CA2499220992.
Genomic context (GRCh38, chr11:47,350,502, plus strand): 5'-GACCTGCCCTGGACACGCCCTACCCACGGATCCTGCCCCTCCCTGCCCAGCCCCTCTCAC[CT>C]TTGGGACTTGGGGCACTTTCTCCCAGCTCAGCGGCTGGGGCCGGGGCTTCTCCAGGGGCT-3'